The following is an entry in ClinVar:

NM_000553.6(WRN):c.4191G>A (p.Glu1397=)

Gene: WRN (WRN RecQ like helicase; plus strand). Cytogenetic location: 8p12.
Variant type: single nucleotide variant.
Coding change: c.4191G>A on transcript NM_000553.6 (MANE Select); coding-DNA position 4191, G replaced by A.
Protein change: p.Glu1397=; no amino-acid change (glutamic acid 1397 retained).
Molecular consequence: synonymous variant.
Genome position (GRCh38, 1-based): chr8:31,167,230, G>A. VCF-style: chr8-31167230-G-A. GRCh37 (hg19) VCF-style: chr8-31024746-G-A.
Identifiers: ClinVar variation 135442 (VCV000135442.13), dbSNP rs369276959, ClinGen allele CA162776.

ClinVar aggregate classification (germline): Likely benign. Review status: criteria provided, single submitter (1 of 4 stars). 3 submissions from 3 submitters: Likely benign (1). 2 of the submissions do not count toward it. Last evaluated 2026-01-19.

Conditions:
WRN-related disorder. Also called: WRN-related condition.
Werner syndrome (WRN). Identifiers: Orphanet 902, MedGen C0043119, MONDO:0010196, OMIM 277700.

Allele frequency attached by ClinVar (database versions not stated): ESP Exome Variant Server 0.00008; TOPMed 0.00014; ExAC 0.00015; gnomAD 0.00016.
gnomAD v4.1: 126 of 1,609,610 alleles (0.0078%); highest among the groups gnomAD compares: Admixed American, 0.013%; no homozygotes.

Submissions (5):

Labcorp Genetics (formerly Invitae), Labcorp
Classification: Likely benign for Werner syndrome. Last evaluated: 2026-01-19. Review status: criteria provided, single submitter. Criteria: Invitae Variant Classification Sherloc (09022015). Collection method: clinical testing. Allele origin: germline.

PreventionGenetics, part of Exact Sciences
Classification: Likely benign for WRN-related condition. Last evaluated: 2024-03-25. Review status: no assertion criteria provided. Collection method: clinical testing. Allele origin: germline. Not counted in ClinVar's aggregate classification.
Comment: This variant is classified as likely benign based on ACMG/AMP sequence variant interpretation guidelines (Richards et al. 2015 PMID: 25741868, with internal and published modifications).

ITMI
No classification provided. Condition: AllHighlyPenetrant. Last evaluated: 2013-09-19. Review status: no classification provided. Collection method: reference population. Allele origin: germline. Not counted in ClinVar's aggregate classification.
Comment: Please see associated publication for description of ethnicities

Dr. Peter K. Rogan Lab, Western University
No classification provided (evidence only). Condition: Lung cancer. Review status: no classification provided. Collection method: in vitro. Allele origin: not applicable. Functional consequence: skipped exon. Not counted in ClinVar's aggregate classification.

Dr. Peter K. Rogan Lab, Western University
No classification provided (evidence only). Condition: Sarcoma. Review status: no classification provided. Collection method: in vitro. Allele origin: not applicable. Functional consequence: skipped exon, retained intron. Not counted in ClinVar's aggregate classification.

Literature cited by the submitters: PubMed 24728327 (cited by ITMI).